The following is an entry in ClinVar:

NM_001002294.3(FMO3):c.102dup (p.Asn35fs)

Gene: FMO3 (flavin containing dimethylaniline monoxygenase 3; plus strand). Cytogenetic location: 1q24.3.
Variant type: Duplication.
Coding change: c.102dup on transcript NM_001002294.3 (MANE Select); coding-DNA position 102, one base duplicated (C; older notation c.102dupC).
Protein change: p.Asn35fs; shifts the reading frame from asparagine 35.
Molecular consequence: frameshift variant. On other transcripts: 5 prime UTR variant (1).
Genome position (GRCh38, 1-based): chr1:171,092,760, C duplicated. VCF-style (leftmost placement, unchanged base first): chr1-171092759-G-GC. GRCh37 (hg19) VCF-style: chr1-171061900-G-GC.
Other names: c.-86dup (NM_001319173.2); c.102dup, p.Asn35fs (NM_001319174.2, NM_006894.6); short protein forms N35fs.
Identifiers: ClinVar variation 2857220 (VCV002857220.3), dbSNP rs2526257236, ClinGen allele CA2739275413.

ClinVar aggregate classification (germline): Pathogenic (1 of 4 stars; one submission).

Submission:

Labcorp Genetics (formerly Invitae), Labcorp
Classification: Pathogenic. Last evaluated: 2023-04-17. Review status: criteria provided, single submitter. Criteria: Invitae Variant Classification Sherloc (09022015). Collection method: clinical testing. Allele origin: germline.
Comment: For these reasons, this variant has been classified as Pathogenic. This variant has not been reported in the literature in individuals affected with FMO3-related conditions. This variant is not present in population databases (gnomAD no frequency). This sequence change creates a premature translational stop signal (p.Asn35Glnfs*2) in the FMO3 gene. It is expected to result in an absent or disrupted protein product. Loss-of-function variants in FMO3 are known to be pathogenic (PMID: 20301282).

Literature cited by the submitters: PubMed 20301282.